The following is an entry in ClinVar:

ClinVar aggregate classification (germline): Likely benign. Review status: criteria provided, multiple submitters, no conflicts (2 of 4 stars). 5 submissions from 5 submitters: Likely benign (4). 1 of the submissions does not count toward it. Last evaluated 2026-05-01.

Conditions:
PRKG1-related disorder. Also called: PRKG1-related condition.
Aortic aneurysm, familial thoracic 8 (AAT8). Identifiers: MedGen C3809513, MONDO:0014187, OMIM 615436.
Familial thoracic aortic aneurysm and aortic dissection (TAAD). Also called: Thoracic aortic aneurysms and dissections. Identifiers: Orphanet 91387, MedGen C4707243, MONDO:0019625.

Allele frequency attached by ClinVar (database versions not stated): ExAC 0.00247; 1000 Genomes Project 30x 0.00031; gnomAD 0.00060; ESP Exome Variant Server 0.00075; gnomAD exomes 0.00082 and 0.00094; 1000 Genomes Project 0.00020; TOPMed 0.00056.

Submissions (5):

CeGaT Center for Human Genetics Tuebingen
Classification: Likely benign. Last evaluated: 2026-05-01. Review status: criteria provided, single submitter. Criteria: CeGaT Center For Human Genetics Tuebingen Variant Classification Criteria Version 2. Collection method: clinical testing. Allele origin: germline. Affected: yes. Observed: 2 variant alleles.
Comment: PRKG1: PP2, BP4, BS1

ARUP Laboratories, Molecular Genetics and Genomics, ARUP Laboratories
Classification: Likely benign for Aortic aneurysm, familial thoracic 8. Last evaluated: 2025-07-29. Review status: criteria provided, single submitter. Criteria: ARUP Molecular Germline Variant Investigation Process 2024. Collection method: clinical testing. Allele origin: germline.

Blueprint Genetics
Classification: Likely benign. Last evaluated: 2024-11-05. Review status: criteria provided, single submitter. Criteria: ACMG Guidelines, 2015. Collection method: clinical testing. Allele origin: germline.

Ambry Genetics
Classification: Likely benign for Familial thoracic aortic aneurysm and aortic dissection. Last evaluated: 2024-02-13. Review status: criteria provided, single submitter. Criteria: Ambry Variant Classification Scheme 2023. Collection method: clinical testing. Allele origin: germline.

PreventionGenetics, part of Exact Sciences
Classification: Likely benign for PRKG1-related condition. Last evaluated: 2024-03-02. Review status: no assertion criteria provided. Collection method: clinical testing. Allele origin: germline. Not counted in ClinVar's aggregate classification.
Comment: This variant is classified as likely benign based on ACMG/AMP sequence variant interpretation guidelines (Richards et al. 2015 PMID: 25741868, with internal and published modifications).

NM_001098512.3(PRKG1):c.39G>A (p.Met13Ile)

Gene: PRKG1 (protein kinase cGMP-dependent 1; plus strand). Cytogenetic location: 10q11.23.
Variant type: single nucleotide variant.
Coding change: c.39G>A on transcript NM_001098512.3; coding-DNA position 39, G replaced by A.
Protein change: p.Met13Ile; replaces methionine 13 with isoleucine.
Molecular consequence: missense variant.
Genome position (GRCh38, 1-based): chr10:50,991,417, G>A. VCF-style: chr10-50991417-G-A. GRCh37 (hg19) VCF-style: chr10-52751177-G-A.
Other names: short protein forms M13I.
Identifiers: ClinVar variation 180475 (VCV000180475.34), dbSNP rs202017913, ClinGen allele CA346591.